The following is an entry in ClinVar:

NM_005732.4(RAD50):c.2203A>C (p.Met735Leu)

Gene: RAD50 (RAD50 double strand break repair protein; plus strand). Cytogenetic location: 5q31.1.
Variant type: single nucleotide variant.
Coding change: c.2203A>C on transcript NM_005732.4 (MANE Select); coding-DNA position 2203, A replaced by C.
Protein change: p.Met735Leu; replaces methionine 735 with leucine.
Molecular consequence: missense variant.
Genome position (GRCh38, 1-based): chr5:132,595,806, A>C. VCF-style: chr5-132595806-A-C. GRCh37 (hg19) VCF-style: chr5-131931498-A-C.
Other names: short protein forms M735L.
Identifiers: ClinVar variation 185454 (VCV000185454.19), dbSNP rs144890318, ClinGen allele CA192006.

ClinVar aggregate classification (germline): Conflicting classifications of pathogenicity. Review status: criteria provided, conflicting classifications (1 of 4 stars). 4 submissions from 4 submitters: Uncertain significance (3); Likely benign (1). Last evaluated 2025-07-05.

Conditions:
Hereditary cancer-predisposing syndrome. Also called: Tumor predisposition; Neoplastic Syndromes, Hereditary; Hereditary neoplastic syndrome; Hereditary Cancer Syndrome. Identifiers: Orphanet 140162, MedGen C0027672, MeSH D009386, MONDO:0015356.
Nijmegen breakage syndrome-like disorder (NBSLD). Also called: MICROCEPHALY AND SPONTANEOUS CHROMOSOME INSTABILITY WITHOUT IMMUNODEFICIENCY; NBS-LIKE DISORDER; RAD50 DEFICIENCY. Identifiers: Orphanet 240760, MedGen C2751318, MONDO:0013118, OMIM 613078.

Allele frequency attached by ClinVar (database versions not stated): TOPMed 0.00001; gnomAD 0.00003 and 0.00004; ExAC 0.00005; ESP Exome Variant Server 0.00008; gnomAD exomes 0.00008 and 0.00009.

Submissions (4):

Ambry Genetics
Classification: Uncertain significance for Hereditary cancer-predisposing syndrome. Last evaluated: 2025-07-05. Review status: criteria provided, single submitter. Criteria: Ambry Variant Classification Scheme 2023. Collection method: clinical testing. Allele origin: germline.
Comment: The p.M735L variant (also known as c.2203A>C), located in coding exon 13 of the RAD50 gene, results from an A to C substitution at nucleotide position 2203. The methionine at codon 735 is replaced by leucine, an amino acid with highly similar properties. This amino acid position is not well conserved in available vertebrate species. In addition, this alteration is predicted to be tolerated by in silico analysis. Since supporting evidence is limited at this time, the clinical significance of this alteration remains unclear.

Blueprint Genetics
Classification: Likely benign. Last evaluated: 2024-09-30. Review status: criteria provided, single submitter. Criteria: ACMG Guidelines, 2015. Collection method: clinical testing. Allele origin: germline.

Labcorp Genetics (formerly Invitae), Labcorp
Classification: Uncertain significance for Hereditary cancer-predisposing syndrome. Last evaluated: 2024-03-19. Review status: criteria provided, single submitter. Criteria: Invitae Variant Classification Sherloc (09022015). Collection method: clinical testing. Allele origin: germline.
Comment: This sequence change replaces methionine, which is neutral and non-polar, with leucine, which is neutral and non-polar, at codon 735 of the RAD50 protein (p.Met735Leu). This variant is present in population databases (rs144890318, gnomAD 0.08%). This variant has not been reported in the literature in individuals affected with RAD50-related conditions. ClinVar contains an entry for this variant (Variation ID: 185454). Advanced modeling of protein sequence and biophysical properties (such as structural, functional, and spatial information, amino acid conservation, physicochemical variation, residue mobility, and thermodynamic stability) performed at Invitae indicates that this missense variant is not expected to disrupt RAD50 protein function with a negative predictive value of 80%. In summary, the available evidence is currently insufficient to determine the role of this variant in disease. Therefore, it has been classified as a Variant of Uncertain Significance.

Sema4
Classification: Uncertain significance for Nijmegen breakage syndrome-like disorder. Last evaluated: 2022-01-06. Review status: criteria provided, single submitter. Criteria: Sema4 Curation Guidelines. Collection method: curation. Allele origin: germline.
Comment: The RAD50 c.2203A>C (p.M735L) variant has been reported in heterozygosity in at least 1 individual with breast cancer; however, it was also reported in 15 control individuals (PMID: 33471991). This variant was observed in 21/276248 chromosomes across the large and broad cohorts of the Genome Aggregation Database (PMID: 32461654). This variant has been reported in ClinVar (Variation ID: 185454). In silico tools suggest the impact of the variant on protein function is benign, though these predictions have not been confirmed by functional studies. The evidence is insufficient to meet ACMG/AMP criteria for classifying the variant as benign or pathogenic. Thus, the clinical significance of this variant is currently uncertain.

Literature cited by the submitters: PubMed 33471991 (cited by Sema4).